The following is an entry in ClinVar:

ClinVar aggregate classification (germline): Likely benign (1 of 4 stars; one submission).

Conditions:
PLXNA1-related disorder. Also called: PLXNA1-related condition.

Submission:

PreventionGenetics, part of Exact Sciences
Classification: Likely benign for PLXNA1-related condition. Last evaluated: 2025-10-13. Review status: criteria provided, single submitter. Criteria: ACMG Guidelines, 2015. Collection method: clinical testing. Allele origin: germline.
Comment: This variant is classified as likely benign based on ACMG/AMP sequence variant interpretation guidelines (Richards et al. 2015 PMID: 25741868, with internal and published modifications).

NM_032242.4(PLXNA1):c.3504A>G (p.Pro1168=)

Gene: PLXNA1 (plexin A1; plus strand). Cytogenetic location: 3q21.3.
Variant type: single nucleotide variant.
Coding change: c.3504A>G on transcript NM_032242.4 (MANE Select); coding-DNA position 3504, A replaced by G.
Protein change: p.Pro1168=; no amino-acid change (proline 1168 retained).
Molecular consequence: synonymous variant.
Genome position (GRCh38, 1-based): chr3:127,017,652, A>G. VCF-style: chr3-127017652-A-G. GRCh37 (hg19) VCF-style: chr3-126736495-A-G.
Identifiers: ClinVar variation 4995259 (VCV004995259.1).